The following is an entry in ClinVar:

NM_000384.3(APOB):c.6943G>C (p.Glu2315Gln)

Gene: APOB (apolipoprotein B; minus strand). Cytogenetic location: 2p24.1.
Variant type: single nucleotide variant.
Coding change: c.6943G>C on transcript NM_000384.3 (MANE Select); coding-DNA position 6943, G replaced by C.
Protein change: p.Glu2315Gln; replaces glutamic acid 2315 with glutamine.
Molecular consequence: missense variant.
Genome position (GRCh38, 1-based): chr2:21,009,925, C>G on the plus strand (G>C on the coding strand, the complement: APOB is on the minus strand). VCF-style: chr2-21009925-C-G. GRCh37 (hg19) VCF-style: chr2-21232797-C-G.
Other names: short protein forms E2315Q.
Identifiers: ClinVar variation 3932802 (VCV003932802.1).

ClinVar aggregate classification (germline): Uncertain significance (1 of 4 stars; one submission).

Conditions:
Cardiovascular phenotype. Identifiers: MedGen CN230736.

Submission:

Ambry Genetics
Classification: Uncertain significance for Cardiovascular phenotype. Last evaluated: 2025-04-13. Review status: criteria provided, single submitter. Criteria: Ambry Variant Classification Scheme 2023. Collection method: clinical testing. Allele origin: germline.
Comment: The p.E2315Q variant (also known as c.6943G>C), located in coding exon 26 of the APOB gene, results from a G to C substitution at nucleotide position 6943. The glutamic acid at codon 2315 is replaced by glutamine, an amino acid with highly similar properties. This amino acid position is conserved. In addition, this alteration is predicted to be tolerated by in silico analysis. Based on the available evidence, the clinical significance of this variant remains unclear.